The following is an entry in ClinVar:

ClinVar aggregate classification (germline): Pathogenic (1 of 4 stars; one submission).

Conditions:
Treacher Collins syndrome 1 (TCS1). Also called: TCOF1-Related Treacher Collins Syndrome. Identifiers: Orphanet 861, MedGen CN315775, MONDO:0007944, OMIM 154500.

Submission:

Labcorp Genetics (formerly Invitae), Labcorp
Classification: Pathogenic for Treacher Collins syndrome 1. Last evaluated: 2017-11-04. Review status: criteria provided, single submitter. Criteria: Invitae Variant Classification Sherloc (09022015). Collection method: clinical testing. Allele origin: germline.
Comment: Loss-of-function variants in TCOF1 are known to be pathogenic (PMID: 8894686, 22317976). This sequence change creates a premature translational stop signal (p.Ala454Serfs*4) in the TCOF1 gene. It is expected to result in an absent or disrupted protein product. This variant is not present in population databases (ExAC no frequency). This variant has not been reported in the literature in individuals with TCOF1-related disease. For these reasons, this variant has been classified as Pathogenic.

Literature cited by the submitters: PubMed 8894686; PubMed 22317976.

NM_001371623.1(TCOF1):c.1358dup (p.Ala454fs)

Gene: TCOF1 (treacle ribosome biogenesis factor 1; plus strand). Cytogenetic location: 5q32.
Variant type: Duplication.
Coding change: c.1358dup on transcript NM_001371623.1 (MANE Select); coding-DNA position 1358, one base duplicated (C; older notation c.1358dupC).
Protein change: p.Ala454fs; shifts the reading frame from alanine 454.
Molecular consequence: frameshift variant.
Genome position (GRCh38, 1-based): chr5:150,375,033, C duplicated; the last of 4 consecutive C bases (chr5:150,375,030-150,375,033); duplicating any one gives the same sequence. VCF-style (leftmost placement, unchanged base first): chr5-150375029-G-GC. GRCh37 (hg19) VCF-style: chr5-149754592-G-GC.
Other names: c.1358dupC (NM_001135243.1); c.1127dup, p.Ala377fs (NM_000356.4, NM_001135245.2); c.1358dup, p.Ala454fs (NM_001008657.3, NM_001135243.2, NM_001135244.2 and 1 more transcripts); short protein forms A377fs, A454fs.
Identifiers: ClinVar variation 543943 (VCV000543943.7), dbSNP rs1554136123, ClinGen allele CA658796662.
Genomic context (GRCh38, chr5:150,375,029, plus strand): 5'-AAGGCCCCCCAGGTCAGAGCCGCCTCGGCCCCTGCCAAGGAGTCCCCCAGGAAAGGGGCT[G>GC]CCCCAGCACCTCCTAGGAAAACAGGGCCTGCAGCCGCCCAGGTCCAGGTGGGGAAGCAGG-3'